The following is an entry in ClinVar:

ClinVar aggregate classification (germline): Pathogenic. Review status: criteria provided, multiple submitters, no conflicts (2 of 4 stars). 6 submissions from 6 submitters: Pathogenic (5). 1 of the submissions does not count toward it. Last evaluated 2023-07-17.

Conditions:
CSPP1-related disorder. Also called: CSPP1-related condition.
Joubert syndrome 21 (JBTS21). Identifiers: MedGen C3810212, MONDO:0014288, OMIM 615636.

Allele frequency attached by ClinVar (database versions not stated): gnomAD exomes below 0.00001 and 0.00001.

Submissions (6):

Victorian Clinical Genetics Services, Murdoch Childrens Research Institute
Classification: Pathogenic for Joubert syndrome 21. Last evaluated: 2023-07-17. Review status: criteria provided, single submitter. Criteria: ACMG Guidelines, 2015. Collection method: clinical testing. Allele origin: germline. Inheritance: Autosomal recessive inheritance. Affected: yes.
Comment: Based on the classification scheme VCGS_Germline_v1.3.4, this variant is classified as Pathogenic. Following criteria are met: 0102 - Loss of function is a known mechanism of disease in this gene and is associated with Joubert syndrome 21 (MIM#615636). (I) 0106 - This gene is associated with autosomal recessive disease. (I) 0115 - Variants in this gene are known to have variable expressivity. Variable features and severity have been reported (OMIM, PMID: 24360808). (I) 0201 - Variant is predicted to cause nonsense-mediated decay (NMD) and loss of protein (premature termination codon is located at least 54 nucleotides upstream of the final exon-exon junction). (SP) 0252 - This variant is homozygous. (I) 0304 - Variant is present in gnomAD <0.01 for a recessive condition (v2: 1 heterozygote, 0 homozygotes). (SP) 0701 – Other variants predicted to result in NMD comparable to the one identified in this case have very strong previous evidence for pathogenicity (DECIPHER, PMID: 24360808). (SP) 0802 - This variant has moderate previous evidence of pathogenicity in unrelated individuals. It has been regarded as pathogenic in ClinVar and reported in multiple families with Joubert syndrome (PMID: 24360808). (I) Legend: (SP) - Supporting pathogenic, (I) - Information, (SB) - Supporting benign

Blueprint Genetics
Classification: Pathogenic for CSPP1-related disorders. Last evaluated: 2022-07-21. Review status: criteria provided, single submitter. Criteria: ACMG Guidelines, 2015. Collection method: clinical testing. Allele origin: germline. Affected: yes. Observed: 2 variant alleles.

MVZ Praenatalmedizin und Genetik Nuernberg
Classification: Pathogenic for Joubert syndrome 21. Last evaluated: 2021-12-02. Review status: criteria provided, single submitter. Criteria: ACMG Guidelines, 2015. Collection method: clinical testing. Allele origin: maternal. Affected: yes.
Comment: This mutation leads to a frameshift in exon 20 of 29 and is therefore considered pathogenic.

Labcorp Genetics (formerly Invitae), Labcorp
Classification: Pathogenic for Joubert syndrome 21. Last evaluated: 2021-08-31. Review status: criteria provided, single submitter. Criteria: Invitae Variant Classification Sherloc (09022015). Collection method: clinical testing. Allele origin: germline.
Comment: This sequence change creates a premature translational stop signal (p.Met843Glufs*25) in the CSPP1 gene. It is expected to result in an absent or disrupted protein product. Loss-of-function variants in CSPP1 are known to be pathogenic (PMID: 24360807, 24360808). This variant is not present in population databases (ExAC no frequency). This premature translational stop signal has been observed in individual(s) with Joubert syndrome (PMID: 24360808). In at least one individual the data is consistent with the variant being in trans (on the opposite chromosome) from a pathogenic variant. It has also been observed to segregate with disease in related individuals. ClinVar contains an entry for this variant (Variation ID: 100671). For these reasons, this variant has been classified as Pathogenic.

UW Hindbrain Malformation Research Program, University of Washington
Classification: Pathogenic for Joubert syndrome 21. Last evaluated: 2015-02-23. Review status: criteria provided, single submitter. Criteria: Bachmann-Gagescu et al. (J Med Genet. 2015). Collection method: research. Allele origin: unknown. Affected: yes.

OMIM
Classification: Pathogenic for JOUBERT SYNDROME 21. Last evaluated: 2014-01-02. Review status: no assertion criteria provided. Collection method: literature only. Allele origin: germline. Not counted in ClinVar's aggregate classification.

Literature cited by the submitters: PubMed 24360808 (cited by 3 submitters); PubMed 24360807 (cited by Labcorp Genetics (formerly Invitae), Labcorp).

NM_001382391.1(CSPP1):c.2542_2543del (p.Met848fs)

Gene: CSPP1 (centrosome and spindle pole associated protein 1; plus strand). Cytogenetic location: 8q13.2.
Variant type: Deletion.
Coding change: c.2542_2543del on transcript NM_001382391.1 (MANE Select); coding-DNA positions 2542 to 2543, 2 bases deleted (AT; older notation c.2542_2543delAT).
Protein change: p.Met848fs; shifts the reading frame from methionine 848.
Molecular consequence: frameshift variant.
Genome position (GRCh38, 1-based): chr8:67,161,814-67,161,815, AT deleted. VCF-style (leftmost placement, unchanged base first): chr8-67161813-CAT-C. GRCh37 (hg19) VCF-style: chr8-68074048-CAT-C.
Other names: c.2527_2528delAT (NM_024790.6); c.1492_1493del, p.Met498fs (NM_001291339.2); c.2461_2462del, p.Met821fs (NM_001363131.2); c.2347_2348del, p.Met783fs (NM_001363132.2); c.2266_2267del, p.Met756fs (NM_001363133.2); c.2608_2609del, p.Met870fs (NM_001364869.1); c.2428_2429del, p.Met810fs (NM_001364870.1); c.2527_2528delAT, p.Met843Glufs (NM_024790.7); short protein forms M810fs, M870fs, M783fs, M843fs, M498fs, M756fs, M821fs, M848fs.
Identifiers: ClinVar variation 100671 (VCV000100671.5), dbSNP rs587777143, ClinGen allele CA150611.